The following is an entry in ClinVar:

NM_001080453.3(INTS1):c.2001C>T (p.Leu667=)

Gene: INTS1 (integrator complex subunit 1; minus strand). Cytogenetic location: 7p22.3.
Variant type: single nucleotide variant.
Coding change: c.2001C>T on transcript NM_001080453.3 (MANE Select); coding-DNA position 2001, C replaced by T.
Protein change: p.Leu667=; no amino-acid change (leucine 667 retained).
Molecular consequence: synonymous variant.
Genome position (GRCh38, 1-based): chr7:1,493,821, G>A on the plus strand (C>T on the coding strand, the complement: INTS1 is on the minus strand). VCF-style: chr7-1493821-G-A. GRCh37 (hg19) VCF-style: chr7-1533457-G-A.
Identifiers: ClinVar variation 3771123 (VCV003771123.13).
Genomic context (GRCh38, chr7:1,493,821, plus strand): 5'-CTGCACGGCAGCCGCCCGCTTCACCAGGTGGTCAGCAAGCTCCATGGCGTCCGCAGGCCC[G>A]AGCGGGAGCTCCCGGGACAGCCCGATGACCAGGATGCGCATCAGCGTGTCCTCCAAAATG-3'
Protein context (NP_001073922.2, residues 657-677): LVIGLSRELP[Leu667=]GPADAMELAD

ClinVar aggregate classification (germline): Likely benign (1 of 4 stars; one submission).

gnomAD v4.1: 60 of 1,574,286 alleles (0.0038%); highest among the groups gnomAD compares: Middle Eastern, 0.099%; no homozygotes.

Submission:

CeGaT Center for Human Genetics Tuebingen
Classification: Likely benign. Last evaluated: 2025-02-01. Review status: criteria provided, single submitter. Criteria: CeGaT Center For Human Genetics Tuebingen Variant Classification Criteria Version 2. Collection method: clinical testing. Allele origin: germline. Affected: yes. Observed: 1 variant allele.
Comment: INTS1: BP4, BP7